The following is an entry in ClinVar:

NM_001367871.1(FBRSL1):c.2961G>A (p.Ala987=)

Gene: FBRSL1 (fibrosin like 1; plus strand). Cytogenetic location: 12q24.33.
Variant type: single nucleotide variant.
Coding change: c.2961G>A on transcript NM_001367871.1 (MANE Select); coding-DNA position 2961, G replaced by A.
Protein change: p.Ala987=; no amino-acid change (alanine 987 retained).
Molecular consequence: synonymous variant.
Genome position (GRCh38, 1-based): chr12:132,583,730, G>A. VCF-style: chr12-132583730-G-A. GRCh37 (hg19) VCF-style: chr12-133160316-G-A.
Other names: c.3090G>A, p.Ala1030= (NM_001142641.2); c.3015G>A, p.Ala1005= (NM_001382739.1); c.2340G>A, p.Ala780= (NM_001382740.1).
Identifiers: ClinVar variation 2643652 (VCV002643652.24), dbSNP rs371380312, ClinGen allele CA246306281.

ClinVar aggregate classification (germline): Likely benign (1 of 4 stars; one submission).

Allele frequency attached by ClinVar (database versions not stated): gnomAD exomes 0.00008; 1000 Genomes Project 0.00020; gnomAD 0.00034; TOPMed 0.00047; 1000 Genomes Project 30x 0.00078.
gnomAD v4.1: 220 of 1,215,966 alleles (0.018%); highest among the groups gnomAD compares: East Asian, 0.32%; 2 homozygotes.

Submission:

CeGaT Center for Human Genetics Tuebingen
Classification: Likely benign. Last evaluated: 2025-05-01. Review status: criteria provided, single submitter. Criteria: CeGaT Center For Human Genetics Tuebingen Variant Classification Criteria Version 2. Collection method: clinical testing. Allele origin: germline. Affected: yes. Observed: 2 variant alleles.
Comment: FBRSL1: BP4, BP7